The following is an entry in ClinVar:

NM_002890.3(RASA1):c.1013A>T (p.Glu338Val)

Genes: CCNH (cyclin H; minus strand), RASA1 (RAS p21 protein activator 1; plus strand). Cytogenetic location: 5q14.3.
Variant type: single nucleotide variant.
Coding change: c.1013A>T on transcript NM_002890.3 (MANE Select); coding-DNA position 1013, A replaced by T.
Protein change: p.Glu338Val; replaces glutamic acid 338 with valine.
Molecular consequence: missense variant. On other transcripts: intron variant (1).
Genome position (GRCh38, 1-based): chr5:87,338,087, A>T. VCF-style: chr5-87338087-A-T. GRCh37 (hg19) VCF-style: chr5-86633904-A-T.
Other names: c.482A>T, p.Glu161Val (NM_022650.3); c.934-25292T>A (NM_001364075.2); short protein forms E161V, E338V.
Identifiers: ClinVar variation 4741541 (VCV004741541.1).

ClinVar aggregate classification (germline): Uncertain significance (1 of 4 stars; one submission).

Conditions:
Capillary malformation-arteriovenous malformation syndrome. Also called: Capillary malformation-arteriovenous malformation. Identifiers: Orphanet 137667, MedGen C1842180, MONDO:0012016.

gnomAD v4.1: 3 of 1,612,108 alleles (0.00019%); highest among the groups gnomAD compares: Admixed American, 0.005%; no homozygotes.

Submission:

Labcorp Genetics (formerly Invitae), Labcorp
Classification: Uncertain significance for Capillary malformation-arteriovenous malformation syndrome. Last evaluated: 2025-03-05. Review status: criteria provided, single submitter. Criteria: Invitae Variant Classification Sherloc (09022015). Collection method: clinical testing. Allele origin: germline.
Comment: This sequence change replaces glutamic acid, which is acidic and polar, with valine, which is neutral and non-polar, at codon 338 of the RASA1 protein (p.Glu338Val). This variant is present in population databases (no rsID available, gnomAD 0.003%). This variant has not been reported in the literature in individuals affected with RASA1-related conditions. An algorithm developed to predict the effect of missense changes on protein structure and function (PolyPhen-2) suggests that this variant is likely to be tolerated. In summary, the available evidence is currently insufficient to determine the role of this variant in disease. Therefore, it has been classified as a Variant of Uncertain Significance.